The following is an entry in ClinVar:

ClinVar aggregate classification (germline): Likely benign. Review status: criteria provided, multiple submitters, no conflicts (2 of 4 stars). 2 submissions from 2 submitters: Likely benign (2). Last evaluated 2023-08-19.

Conditions:
Aortic aneurysm, familial thoracic 4 (AAT4). Also called: AORTIC ANEURYSM/AORTIC DISSECTION AND PATENT DUCTUS ARTERIOSUS. Identifiers: MedGen C1851504, MONDO:0007568, OMIM 132900.

Submissions (2):

Labcorp Genetics (formerly Invitae), Labcorp
Classification: Likely benign for Aortic aneurysm, familial thoracic 4. Last evaluated: 2023-08-19. Review status: criteria provided, single submitter. Criteria: Invitae Variant Classification Sherloc (09022015). Collection method: clinical testing. Allele origin: germline.

GeneDx
Classification: Likely benign. Last evaluated: 2018-04-19. Review status: criteria provided, single submitter. Criteria: GeneDx Variant Classification (06012015). Collection method: clinical testing. Allele origin: germline. Affected: yes.
Comment: This variant is considered likely benign or benign based on one or more of the following criteria: it is a conservative change, it occurs at a poorly conserved position in the protein, it is predicted to be benign by multiple in silico algorithms, and/or has population frequency not consistent with disease.

NM_002474.3(MYH11):c.726+19T>C

Gene: MYH11 (myosin heavy chain 11; minus strand). Cytogenetic location: 16p13.11.
Variant type: single nucleotide variant.
Coding change: c.726+19T>C on transcript NM_002474.3 (MANE Select); 19 bases into the intron after coding-DNA position 726, T replaced by C.
Molecular consequence: intron variant.
Genome position (GRCh38, 1-based): chr16:15,782,366, A>G on the plus strand (T>C on the coding strand, the complement: MYH11 is on the minus strand). VCF-style: chr16-15782366-A-G. GRCh37 (hg19) VCF-style: chr16-15876223-A-G.
Other names: c.726+19T>C (NM_022844.3); c.747+19T>C (NM_001040114.2, NM_001040113.2).
Identifiers: ClinVar variation 682195 (VCV000682195.4), dbSNP rs1596828927, ClinGen allele CA915946322.